The following is an entry in ClinVar:

NM_031263.4(HNRNPK):c.448T>A (p.Leu150Met)

Genes: HNRNPK (heterogeneous nuclear ribonucleoprotein K; minus strand), HNRNPK-AS1 (HNRNPK antisense RNA 1; plus strand). Cytogenetic location: 9q21.32.
Variant type: single nucleotide variant.
Coding change: c.448T>A on transcript NM_031263.4 (MANE Select); coding-DNA position 448, T replaced by A.
Protein change: p.Leu150Met; replaces leucine 150 with methionine.
Molecular consequence: missense variant.
Genome position (GRCh38, 1-based): chr9:83,973,354, A>T on the plus strand (T>A on the coding strand, the complement: HNRNPK is on the minus strand). VCF-style: chr9-83973354-A-T. GRCh37 (hg19) VCF-style: chr9-86588269-A-T.
Other names: c.376T>A, p.Leu126Met (NM_001318186.2, NM_001318187.2); c.448T>A, p.Leu150Met (NM_001318188.2, NM_002140.5, NM_031262.4); short protein forms L126M, L150M.
Identifiers: ClinVar variation 2442513 (VCV002442513.1), dbSNP rs1956941349, ClinGen allele CA373927427.

ClinVar aggregate classification (germline): Uncertain significance (1 of 4 stars; one submission).

Submission:

GeneDx
Classification: Uncertain significance. Last evaluated: 2022-08-31. Review status: criteria provided, single submitter. Criteria: GeneDx Variant Classification Process June 2021. Collection method: clinical testing. Allele origin: germline. Affected: yes.
Comment: Not observed at significant frequency in large population cohorts (gnomAD); In silico analysis supports that this missense variant does not alter protein structure/function; Has not been previously published as pathogenic or benign to our knowledge